The following is an entry in ClinVar:

NM_015836.4(WARS2):c.635-19G>T

Gene: WARS2 (tryptophanyl tRNA synthetase 2, mitochondrial; minus strand). Cytogenetic location: 1p12.
Variant type: single nucleotide variant.
Coding change: c.635-19G>T on transcript NM_015836.4 (MANE Select); 19 bases into the intron before coding-DNA position 635, G replaced by T.
Molecular consequence: intron variant. On other transcripts: synonymous variant (1).
Genome position (GRCh38, 1-based): chr1:119,033,378, C>A on the plus strand (G>T on the coding strand, the complement: WARS2 is on the minus strand). VCF-style: chr1-119033378-C-A. GRCh37 (hg19) VCF-style: chr1-119576001-C-A.
Other names: c.645G>T, p.Val215= (NM_201263.2); c.377-19G>T (NM_001378229.1); c.464-19G>T (NM_001378228.1); c.549-19G>T (NM_001378231.1); c.566-19G>T (NM_001378226.1, NM_001378227.1); c.353-19G>T (NM_001378230.1).
Identifiers: ClinVar variation 3250598 (VCV003250598.18), dbSNP rs1284238050.
Genomic context (GRCh38, chr1:119,033,378, plus strand): 5'-TGGCAGAAGGATCACGTAGGGATTTTACCTTCTTCATGGATGCTAGGTTAAAAACACCAA[C>A]ACACACATACCCAAAACAAAAACAAAACAAACAGATCACCAAGATGTACACACAGACAGT-3'

ClinVar aggregate classification (germline): Likely benign (1 of 4 stars; one submission).

Allele frequency attached by ClinVar (database versions not stated): gnomAD exomes below 0.00001; TOPMed below 0.00001; gnomAD 0.00001.
gnomAD v4.1: 5 of 1,613,350 alleles (0.00031%); highest among the groups gnomAD compares: Non-Finnish European, 0.00042%; no homozygotes.

Submission:

CeGaT Center for Human Genetics Tuebingen
Classification: Likely benign. Last evaluated: 2025-11-01. Review status: criteria provided, single submitter. Criteria: CeGaT Center For Human Genetics Tuebingen Variant Classification Criteria Version 2. Collection method: clinical testing. Allele origin: germline. Affected: yes. Observed: 2 variant alleles.
Comment: WARS2: BP4, BP7